The following is an entry in ClinVar:

ClinVar aggregate classification (germline): Likely benign (1 of 4 stars; one submission).

Conditions:
SMAD3-related disorder. Also called: SMAD3-related condition.

gnomAD v4.1: 3 of 1,551,620 alleles (0.00019%); highest among the groups gnomAD compares: African/African-American, 0.0014%; no homozygotes.

Submission:

PreventionGenetics, part of Exact Sciences
Classification: Likely benign for SMAD3-related condition. Last evaluated: 2025-04-17. Review status: criteria provided, single submitter. Criteria: ACMG Guidelines, 2015. Collection method: clinical testing. Allele origin: germline.
Comment: This variant is classified as likely benign based on ACMG/AMP sequence variant interpretation guidelines (Richards et al. 2015 PMID: 25741868, with internal and published modifications).

NM_005902.4(SMAD3):c.207-26809A>G

Gene: SMAD3 (SMAD family member 3; plus strand). Cytogenetic location: 15q22.33.
Variant type: single nucleotide variant.
Coding change: c.207-26809A>G on transcript NM_005902.4 (MANE Select); 26809 bases into the intron before coding-DNA position 207, A replaced by G.
Molecular consequence: intron variant. On other transcripts: synonymous variant (1), 5 prime UTR variant (1).
Genome position (GRCh38, 1-based): chr15:67,138,086, A>G. VCF-style: chr15-67138086-A-G. GRCh37 (hg19) VCF-style: chr15-67430424-A-G.
Other names: c.60A>G, p.Ala20= (NM_001145103.2); c.-546A>G (NM_001407016.1); c.207-26809A>G (NM_001407011.1, NM_001407013.1, NM_001407012.1); c.60-26809A>G (NM_001407014.1); c.-110+12102A>G (NM_001145102.2, NM_001407015.1).
Identifiers: ClinVar variation 4999255 (VCV004999255.1).